The following is an entry in ClinVar:

NM_002834.5(PTPN11):c.1530G>C (p.Gln510His)

Gene: PTPN11 (protein tyrosine phosphatase non-receptor type 11; plus strand). Cytogenetic location: 12q24.13.
Variant type: single nucleotide variant.
Coding change: c.1530G>C on transcript NM_002834.5 (MANE Select); coding-DNA position 1530, G replaced by C.
Protein change: p.Gln510His; replaces glutamine 510 with histidine.
Molecular consequence: missense variant.
Genome position (GRCh38, 1-based): chr12:112,489,106, G>C. VCF-style: chr12-112489106-G-C. GRCh37 (hg19) VCF-style: chr12-112926910-G-C.
Other names: p.Q510H:CAG>CAC; NM_002834.4(PTPN11):c.1530G>C; c.1530G>C (NM_002834.4); c.1542G>C, p.Gln514His (NM_001330437.2); c.1527G>C, p.Gln509His (NM_001374625.1); short protein forms Q510H, Q514H, Q509H.
Identifiers: ClinVar variation 40567 (VCV000040567.28), dbSNP rs397507550, ClinGen allele CA220143.

ClinVar aggregate classification (germline): Pathogenic. Review status: reviewed by expert panel (3 of 4 stars). 15 submissions from 13 submitters: Pathogenic (1). 14 of the submissions do not count toward it. Last evaluated 2017-04-03.
ClinVar aggregate classification (somatic clinical impact): Tier I - Strong (1 of 4 stars; one submission).

Conditions:
PTPN11-related disorder. Also called: PTPN11-Related Disorders.
Cardiovascular phenotype. Identifiers: MedGen CN230736.
Metachondromatosis (METCDS). Identifiers: Orphanet 2499, MedGen C0410530, MONDO:0007979, OMIM 156250.
Noonan syndrome 1 (NS1). Also called: TURNER PHENOTYPE WITH NORMAL KARYOTYPE; PTPN11-Related Noonan Syndrome; FEMALE PSEUDO-TURNER SYNDROME. Identifiers: Orphanet 648, MedGen C4551602, MONDO:0008104, OMIM 163950. Disease mechanism: gain of function.
LEOPARD syndrome 1 (LPRD1). Also called: LENTIGINOSIS, CARDIOMYOPATHIC; MULTIPLE LENTIGINES SYNDROME; PTPN11-Related LEOPARD Syndrome. Identifiers: Orphanet 500, MedGen C4551484, MONDO:0100082, OMIM 151100.
Juvenile myelomonocytic leukemia (JMML). Also called: LEUKEMIA, JUVENILE MYELOMONOCYTIC, SOMATIC. Identifiers: Orphanet 86834, MedGen C0349639, MONDO:0011908, OMIM 607785, HP:0012209.
RASopathy. Also called: rasopathies; Noonan spectrum disorder. Identifiers: Orphanet 536391, MedGen C5555857, MONDO:0021060.
Embryonal rhabdomyosarcoma (ERMS). Also called: Botryoid rhabdomyosarcoma (type of ERMS); Spindle cell rhabdomyosarcomas (type of ERMS). Identifiers: Orphanet 99757, MedGen C0206656, MONDO:0009993, HP:0006743.

Submissions 1 to 11 of 16:

ClinGen RASopathy Variant Curation Expert Panel
Classification: Pathogenic for Noonan syndrome and Noonan-related syndrome. Last evaluated: 2017-04-03. Review status: reviewed by expert panel. Criteria: ClinGen RASopathy ACMG Specifications v1. Collection method: curation. Allele origin: germline. Inheritance: Autosomal dominant inheritance.
Comment: The c.1530G>C (p.Gln510His) variant in PTPN11 has been reported in the literature in at least 2 unconfirmed de novo occurrences in patients with clinical features of a RASopathy (PM6_Strong; GeneDx, EGL, APHP-Robert DebrâˆšÂ© Hospital internal data; GTR ID's: 26957, 500060, 28338 ClinVar SCV000057460.11; SCV000331072.3). At least 2 other pathogenic missense variants have been previously identified at this codon of PTPN11 which may indicate that this residue is critical to the function of the protein (PM5_Strong; ClinVar 40566, 13345, 13344). This variant was absent from large population studies (PM2; ExAC). The variant is located in the PTPN11 gene, which has been defined by the ClinGen RASopathy Expert Panel as a gene with a low rate of benign missense variants and pathogenic missense variants are common (PP2; PMID: 29493581). Computational prediction tools and conservation analysis suggest that the p.Gln510His variant may impact the protein (PP3). In summary, this variant meets criteria to be classified as pathogenic for RASopathies in an autosomal dominant manner. ACMG/AMP criteria applied: PM6_Strong, PM5_Strong, PM2, PP3, PP2.

Labcorp Genetics (formerly Invitae), Labcorp
Classification: Pathogenic for RASopathy. Last evaluated: 2025-09-22. Review status: criteria provided, single submitter. Criteria: Invitae Variant Classification Sherloc (09022015). Collection method: clinical testing. Allele origin: germline. Not counted in ClinVar's aggregate classification.
Comment: This sequence change replaces glutamine, which is neutral and polar, with histidine, which is basic and polar, at codon 510 of the PTPN11 protein (p.Gln510His). This variant is not present in population databases (gnomAD no frequency). This missense change has been observed in individuals with Noonan syndrome with multiple lentigines (PMID: 21910226, 31263281). ClinVar contains an entry for this variant (Variation ID: 40567). Invitae Evidence Modeling of protein sequence and biophysical properties (such as structural, functional, and spatial information, amino acid conservation, physicochemical variation, residue mobility, and thermodynamic stability) indicates that this missense variant is expected to disrupt PTPN11 protein function with a positive predictive value of 95%. This variant disrupts the p.Gln510 amino acid residue in PTPN11. Other variant(s) that disrupt this residue have been determined to be pathogenic (PMID: 15948193, 24775816). This suggests that this residue is clinically significant, and that variants that disrupt this residue are likely to be disease-causing. For these reasons, this variant has been classified as Pathogenic.

Institute for Genomic Medicine (IGM) Clinical Laboratory, Nationwide Children's Hospital
Classification: Tier I - Strong for Embryonal rhabdomyosarcoma. Assertion type: diagnostic. Clinical significance: supports diagnosis. Last evaluated: 2024-05-16. Review status: criteria provided, single submitter. Criteria: AMP/ASCO/CAP Guidelines, 2017. Collection method: clinical testing. Allele origin: somatic. Affected: yes.
Comment: Variant has Tier I (strong) clinical significance as a diagnostic inclusion criterion in embryonal rhabdomyosarcoma, based on the following evidence: 1) Documented in one or more cancer databases (e.g., St. Jude Pecan, COSMIC, CIViC, OncoKB). 2) Information in the literature supports potential biologic effect of variant (PMIDs: 22058153, 21803945). 3) Diagnostic for a specific tumor type/classification based on well-powered studies with expert-level consensus (Evidence Level B; PMIDs: 24436047, 34166060, 26138366, 16518851, 19681119, 22142829).

Genomic Medicine Lab, University of California San Francisco
Classification: Pathogenic for Noonan syndrome 1. Last evaluated: 2023-04-20. Review status: criteria provided, single submitter. Criteria: ACMG Guidelines, 2015. Collection method: clinical testing. Allele origin: de novo. Affected: yes. Not counted in ClinVar's aggregate classification.

Ambry Genetics
Classification: Pathogenic for Cardiovascular phenotype. Last evaluated: 2023-02-28. Review status: criteria provided, single submitter. Criteria: Ambry Variant Classification Scheme 2023. Collection method: clinical testing. Allele origin: germline. Not counted in ClinVar's aggregate classification.
Comment: The p.Q510H pathogenic mutation (also known as c.1530G>C), located in coding exon 13 of the PTPN11 gene, results from a G to C substitution at nucleotide position 1530. The glutamine at codon 510 is replaced by histidine, an amino acid with highly similar properties. This variant as been reported in multiple individuals with PTPN11-related RASopathy (Wakabayashi Y et al. Am. J. Med. Genet. A, 2011 Oct;155A:2529-33; Chinton J et al. Arch Argent Pediatr, 2019 Oct;117:330-337; Kauffman H et al. Pediatr Res, 2021 Aug;90:444-451). It has also been determined to be the result of a de novo mutation in a fetus with features including hydrops fetalis, pleural effusion, cardiomyopathy, and hepatomegaly (Stuurman KE et al. J Med Genet, 2019 Oct;56:654-661). Another variant at the same codon, c.1530G>T (p.Q510H), has been described previously in fetuses with cystic hygroma (Gezdirici A et al. J Matern Fetal Neonatal Med, 2017 Apr;30:938-941). This amino acid position is highly conserved in available vertebrate species. In addition, this alteration is predicted to be deleterious by in silico analysis. This variant is considered to be rare based on population cohorts in the Genome Aggregation Database (gnomAD). Based on the supporting evidence, this alteration is interpreted as a disease-causing mutation.

Baylor Genetics
Classification: Pathogenic for Metachondromatosis. Last evaluated: 2022-08-02. Review status: criteria provided, single submitter. Criteria: ACMG Guidelines, 2015. Collection method: clinical testing. Allele origin: unknown. Not counted in ClinVar's aggregate classification.

Baylor Genetics
Classification: Pathogenic for LEOPARD syndrome 1. Last evaluated: 2022-08-02. Review status: criteria provided, single submitter. Criteria: ACMG Guidelines, 2015. Collection method: clinical testing. Allele origin: unknown. Not counted in ClinVar's aggregate classification.

Baylor Genetics
Classification: Pathogenic for Noonan syndrome 1. Last evaluated: 2022-08-02. Review status: criteria provided, single submitter. Criteria: ACMG Guidelines, 2015. Collection method: clinical testing. Allele origin: unknown. Not counted in ClinVar's aggregate classification.

GeneDx
Classification: Pathogenic. Last evaluated: 2022-01-19. Review status: criteria provided, single submitter. Criteria: GeneDx Variant Classification Process June 2021. Collection method: clinical testing. Allele origin: germline. Affected: yes. Not counted in ClinVar's aggregate classification.
Comment: Not observed at significant frequency in large population cohorts (gnomAD); In silico analysis supports that this missense variant has a deleterious effect on protein structure/function; Missense variants in this gene are often considered pathogenic (HGMD); This variant is associated with the following publications: (PMID: 24803665, 24234437, 25232094, 31263281, 31560489, 33318624, 31277675, 21910226)

Fulgent Genetics
Classification: Pathogenic for LEOPARD syndrome 1; Metachondromatosis; Noonan syndrome 1; Juvenile myelomonocytic leukemia. Last evaluated: 2021-12-03. Review status: criteria provided, single submitter. Criteria: ACMG Guidelines, 2015. Collection method: clinical testing. Allele origin: unknown. Not counted in ClinVar's aggregate classification.

Revvity Omics, Revvity
Classification: Pathogenic. Last evaluated: 2019-11-21. Review status: criteria provided, single submitter. Criteria: ACMG Guidelines, 2015. Collection method: clinical testing. Allele origin: germline. Not counted in ClinVar's aggregate classification.